The following is an entry in ClinVar:

NM_002497.4(NEK2):c.1050_1057dup (p.Lys353delinsIleCysTer)

Gene: NEK2 (NIMA related kinase 2; minus strand). Cytogenetic location: 1q32.3.
Variant type: Duplication.
Coding change: c.1050_1057dup on transcript NM_002497.4 (MANE Select); coding-DNA positions 1050 to 1057, 8 bases duplicated (TCTGTTGA; older notation c.1050_1057dupTCTGTTGA).
Protein change: p.Lys353delinsIleCysTer.
Molecular consequence: nonsense.
Genome position (GRCh38, 1-based): chr1:211,667,160-211,667,167, TCAACAGA duplicated on the plus strand (TCTGTTGA on the coding strand, the reverse complement: NEK2 is on the minus strand); duplicating any 8 consecutive bases within chr1:211,667,160-211,667,168 gives the same sequence; the c. name uses the placement nearest the transcript's 3' end. VCF-style (leftmost placement, unchanged base first): chr1-211667159-T-TTCAACAGA. GRCh37 (hg19) VCF-style: chr1-211840501-T-TTCAACAGA.
Other names: c.1050_1057dup, p.Lys353delinsIleCysTer (NM_001204182.2, NM_001204183.2).
Identifiers: ClinVar variation 2051305 (VCV002051305.4), dbSNP rs2464381783, ClinGen allele CA2580062023.
Genomic context (GRCh38, chr1:211,667,159, plus strand): 5'-CTCATACCTGGATTACTTGCCAGAGACAGGAACTTCCGTTCCTTTAGCAAGCTGTAGTTC[T>TTCAACAGA]TCAACAGATTTTCTGCTCTAGCCAGTTTGTCCTCTGCTAGTCTCTCACGAACACAAAGCT-3'

ClinVar aggregate classification (germline): Uncertain significance (1 of 4 stars; one submission).

Submission:

Labcorp Genetics (formerly Invitae), Labcorp
Classification: Uncertain significance. Last evaluated: 2022-06-03. Review status: criteria provided, single submitter. Criteria: Invitae Variant Classification Sherloc (09022015). Collection method: clinical testing. Allele origin: germline.
Comment: In summary, the available evidence is currently insufficient to determine the role of this variant in disease. Therefore, it has been classified as a Variant of Uncertain Significance. Experimental studies and prediction algorithms are not available or were not evaluated, and the functional significance of this variant is currently unknown. This variant has not been reported in the literature in individuals affected with NEK2-related conditions. This variant is not present in population databases (gnomAD no frequency). This sequence change creates a premature translational stop signal (p.Lys353Ilefs*3) in the NEK2 gene. While this is not anticipated to result in nonsense mediated decay, it is expected to disrupt the last 93 amino acid(s) of the NEK2 protein.